The following is an entry in ClinVar:

NM_000553.6(WRN):c.410G>C (p.Gly137Ala)

Gene: WRN (WRN RecQ like helicase; plus strand). Cytogenetic location: 8p12.
Variant type: single nucleotide variant.
Coding change: c.410G>C on transcript NM_000553.6 (MANE Select); coding-DNA position 410, G replaced by C.
Protein change: p.Gly137Ala; replaces glycine 137 with alanine.
Molecular consequence: missense variant.
Genome position (GRCh38, 1-based): chr8:31,064,969, G>C. VCF-style: chr8-31064969-G-C. GRCh37 (hg19) VCF-style: chr8-30922485-G-C.
Other names: short protein forms G137A.
Identifiers: ClinVar variation 574555 (VCV000574555.4), dbSNP rs1194837779, ClinGen allele CA370914739.

ClinVar aggregate classification (germline): Uncertain significance (1 of 4 stars; one submission).

Conditions:
Werner syndrome (WRN). Identifiers: Orphanet 902, MedGen C0043119, MONDO:0010196, OMIM 277700.

Allele frequency attached by ClinVar (database versions not stated): gnomAD exomes below 0.00001.

Submission:

Labcorp Genetics (formerly Invitae), Labcorp
Classification: Uncertain significance for Werner syndrome. Last evaluated: 2018-03-05. Review status: criteria provided, single submitter. Criteria: Invitae Variant Classification Sherloc (09022015). Collection method: clinical testing. Allele origin: germline.
Comment: This sequence change replaces glycine with alanine at codon 137 of the WRN protein (p.Gly137Ala). The glycine residue is highly conserved and there is a small physicochemical difference between glycine and alanine. In summary, the available evidence is currently insufficient to determine the role of this variant in disease. Therefore, it has been classified as a Variant of Uncertain Significance. Algorithms developed to predict the effect of missense changes on protein structure and function do not agree on the potential impact of this missense change (SIFT: "Tolerated"; PolyPhen-2: "Probably Damaging"; Align-GVGD: "Class C0"). This variant has not been reported in the literature in individuals with WRN-related disease. This variant is not present in population databases (ExAC no frequency).